The following is an entry in ClinVar:

NM_001354604.2(MITF):c.1355A>G (p.Asp452Gly)

Gene: MITF (melanocyte inducing transcription factor; plus strand). Cytogenetic location: 3p13.
Variant type: single nucleotide variant.
Coding change: c.1355A>G on transcript NM_001354604.2 (MANE Select); coding-DNA position 1355, A replaced by G.
Protein change: p.Asp452Gly; replaces aspartic acid 452 with glycine.
Molecular consequence: missense variant.
Genome position (GRCh38, 1-based): chr3:69,965,022, A>G. VCF-style: chr3-69965022-A-G. GRCh37 (hg19) VCF-style: chr3-70014173-A-G.
Other names: c.1334A>G, p.Asp445Gly (NM_001354606.2, NM_006722.3); c.1286A>G, p.Asp429Gly (NM_001354607.2); c.1181A>G, p.Asp394Gly (NM_001354608.2, NM_001184967.2); c.1016A>G, p.Asp339Gly (NM_198158.3); c.1337A>G, p.Asp446Gly (NM_198159.3); c.1289A>G, p.Asp430Gly (NM_198177.3); c.848A>G, p.Asp283Gly (NM_198178.3); c.1034A>G, p.Asp345Gly (NM_000248.4); and 1 more; short protein forms D430G, D339G, D446G, D283G, D394G, D451G, D345G, D429G.
Identifiers: ClinVar variation 4055169 (VCV004055169.2).

ClinVar aggregate classification (germline): Uncertain significance. Review status: criteria provided, multiple submitters, no conflicts (2 of 4 stars). 2 submissions from 2 submitters: Uncertain significance (2). Last evaluated 2025-09-28.

Conditions:
Hereditary cancer-predisposing syndrome. Also called: Neoplastic Syndromes, Hereditary; Tumor predisposition; Hereditary neoplastic syndrome; Hereditary Cancer Syndrome. Identifiers: Orphanet 140162, MedGen C0027672, MeSH D009386, MONDO:0015356.
Tietz syndrome (TADS). Also called: ALBINISM-DEAFNESS OF TIETZ; HYPOPIGMENTATION/DEAFNESS OF TIETZ; TIETZ ALBINISM-DEAFNESS SYNDROME. Identifiers: Orphanet 42665, MedGen C0391816, MONDO:0007077, OMIM 103500.
Melanoma, cutaneous malignant, susceptibility to, 8. Also called: MELANOMA AND RENAL CELL CARCINOMA, SUSCEPTIBILITY TO; Cutaneous malignant melanoma 8. Identifiers: Orphanet 293822, MedGen C3152204, MONDO:0013759, OMIM 614456.
Waardenburg syndrome type 2A (WS2A). Also called: WAARDENBURG SYNDROME WITHOUT DYSTOPIA CANTHORUM. Identifiers: Orphanet 3440, MedGen C1860339, MONDO:0008671, OMIM 193510.

Submissions (2):

Labcorp Genetics (formerly Invitae), Labcorp
Classification: Uncertain significance for Melanoma, cutaneous malignant, susceptibility to, 8; Waardenburg syndrome type 2A; Tietz syndrome. Last evaluated: 2025-09-28. Review status: criteria provided, single submitter. Criteria: Invitae Variant Classification Sherloc (09022015). Collection method: clinical testing. Allele origin: germline.
Comment: This sequence change replaces aspartic acid, which is acidic and polar, with glycine, which is neutral and non-polar, at codon 345 of the MITF protein (p.Asp345Gly). This variant is not present in population databases (gnomAD no frequency). This variant has not been reported in the literature in individuals affected with MITF-related conditions. ClinVar contains an entry for this variant (Variation ID: 4055169). Invitae Evidence Modeling of protein sequence and biophysical properties (such as structural, functional, and spatial information, amino acid conservation, physicochemical variation, residue mobility, and thermodynamic stability) indicates that this missense variant is not expected to disrupt MITF protein function with a negative predictive value of 80%. In summary, the available evidence is currently insufficient to determine the role of this variant in disease. Therefore, it has been classified as a Variant of Uncertain Significance.

Ambry Genetics
Classification: Uncertain significance for Hereditary cancer-predisposing syndrome. Last evaluated: 2025-03-24. Review status: criteria provided, single submitter. Criteria: Ambry Variant Classification Scheme 2023. Collection method: clinical testing. Allele origin: germline.
Comment: The p.D345G variant (also known as c.1034A>G), located in coding exon 9 of the MITF gene, results from an A to G substitution at nucleotide position 1034. The aspartic acid at codon 345 is replaced by glycine, an amino acid with similar properties. This amino acid position is conserved. In addition, the in silico prediction for this alteration is inconclusive. Based on the available evidence, the clinical significance of this variant remains unclear.